The following is an entry in ClinVar:

NM_020529.3(NFKBIA):c.158G>A (p.Arg53His)

Gene: NFKBIA (NFKB inhibitor alpha; minus strand). Cytogenetic location: 14q13.2.
Variant type: single nucleotide variant.
Coding change: c.158G>A on transcript NM_020529.3 (MANE Select); coding-DNA position 158, G replaced by A.
Protein change: p.Arg53His; replaces arginine 53 with histidine.
Molecular consequence: missense variant.
Genome position (GRCh38, 1-based): chr14:35,404,487, C>T on the plus strand (G>A on the coding strand, the complement: NFKBIA is on the minus strand). VCF-style: chr14-35404487-C-T. GRCh37 (hg19) VCF-style: chr14-35873693-C-T.
Other names: short protein forms R53H.
Identifiers: ClinVar variation 2866289 (VCV002866289.3), dbSNP rs761810172, ClinGen allele CA7155588.

ClinVar aggregate classification (germline): Uncertain significance (1 of 4 stars; one submission).

Conditions:
Ectodermal dysplasia and immunodeficiency 2. Identifiers: Orphanet 238468, Orphanet 98813, MedGen C2677481, MONDO:0012806, OMIM 612132.

Allele frequency attached by ClinVar (database versions not stated): ExAC 0.00001.
gnomAD v4.1: 1 of 1,602,888 alleles (0.000062%); highest among the groups gnomAD compares: South Asian, 0.0011%; no homozygotes.

Submission:

Labcorp Genetics (formerly Invitae), Labcorp
Classification: Uncertain significance for Ectodermal dysplasia and immunodeficiency 2. Last evaluated: 2024-01-26. Review status: criteria provided, single submitter. Criteria: Invitae Variant Classification Sherloc (09022015). Collection method: clinical testing. Allele origin: germline.
Comment: This sequence change replaces arginine, which is basic and polar, with histidine, which is basic and polar, at codon 53 of the NFKBIA protein (p.Arg53His). The frequency data for this variant in the population databases is considered unreliable, as metrics indicate poor data quality at this position in the gnomAD database. This variant has not been reported in the literature in individuals affected with NFKBIA-related conditions. An algorithm developed to predict the effect of missense changes on protein structure and function (PolyPhen-2) suggests that this variant is likely to be disruptive. In summary, the available evidence is currently insufficient to determine the role of this variant in disease. Therefore, it has been classified as a Variant of Uncertain Significance.